The following is an entry in ClinVar:

ClinVar aggregate classification (germline): Pathogenic (1 of 4 stars; one submission).

Conditions:
Hereditary cancer-predisposing syndrome. Also called: Neoplastic Syndromes, Hereditary; Tumor predisposition; Hereditary Cancer Syndrome; Hereditary neoplastic syndrome. Identifiers: Orphanet 140162, MedGen C0027672, MeSH D009386, MONDO:0015356.

Submission:

Ambry Genetics
Classification: Pathogenic for Hereditary cancer-predisposing syndrome. Last evaluated: 2026-05-20. Review status: criteria provided, single submitter. Criteria: Ambry Variant Classification Scheme 2023. Collection method: clinical testing. Allele origin: germline.
Comment: The c.1439_1446dupCCCAAGAG pathogenic mutation, located in coding exon 10 of the CTNNA1 gene, results from a duplication of CCCAAGAG at nucleotide position 1439, causing a translational frameshift with a predicted alternate stop codon (p.N483Pfs*44). This variant is considered to be rare based on population cohorts in the Genome Aggregation Database (gnomAD). This variant is expected to result in loss of function by premature protein truncation or nonsense-mediated mRNA decay. As such, this variant is interpreted as a disease-causing mutation.

NM_001903.5(CTNNA1):c.1439_1446dup (p.Asn483fs)

Gene: CTNNA1 (catenin alpha 1; plus strand). Cytogenetic location: 5q31.2.
Variant type: Duplication.
Coding change: c.1439_1446dup on transcript NM_001903.5 (MANE Select); coding-DNA positions 1439 to 1446, 8 bases duplicated (CCCAAGAG; older notation c.1439_1446dupCCCAAGAG).
Protein change: p.Asn483fs; shifts the reading frame from asparagine 483.
Molecular consequence: frameshift variant. On other transcripts: 5 prime UTR variant (5).
Genome position (GRCh38, 1-based): chr5:138,917,791-138,917,798, CCCAAGAG duplicated; duplicating any 8 consecutive bases within chr5:138,917,790-138,917,798 gives the same sequence; the c. name uses the placement nearest the transcript's 3' end. VCF-style (leftmost placement, unchanged base first): chr5-138917789-G-GGCCCAAGA. GRCh37 (hg19) VCF-style: chr5-138253478-G-GGCCCAAGA.
Other names: c.1439_1446dup, p.Asn483fs (NM_001290307.3, NM_001323982.2, NM_001323983.1 and 2 more transcripts); c.1130_1137dup, p.Asn380fs (NM_001290309.3); c.1070_1077dup, p.Asn360fs (NM_001290310.3); c.329_336dup, p.Asn113fs (NM_001290312.1, NM_001323987.1, NM_001323988.1 and 17 more transcripts); c.1346_1353dup, p.Asn452fs (NM_001323986.2); c.-11_-4dup (NM_001324006.1, NM_001324007.1, NM_001324008.1 and 2 more transcripts); c.236_243dup, p.Asn82fs (NM_001324011.1); c.86_93dup, p.Asn32fs (NM_001324012.1, NM_001324013.1); short protein forms N113fs, N32fs, N360fs, N380fs, N452fs, N483fs, N82fs.
Identifiers: ClinVar variation 4869481 (VCV004869481.1).